The following is an entry in ClinVar:

ClinVar aggregate classification (germline): Uncertain significance (1 of 4 stars; one submission).

Conditions:
Baller-Gerold syndrome (BGS). Also called: CRANIOSYNOSTOSIS WITH RADIAL DEFECTS. Identifiers: Orphanet 1225, MedGen C0265308, MONDO:0009039, OMIM 218600.

Allele frequency attached by ClinVar (database versions not stated): gnomAD exomes below 0.00001.
gnomAD v4.1: 3 of 1,606,240 alleles (0.00019%); highest among the groups gnomAD compares: Middle Eastern, 0.033%; 1 homozygote.

Submission:

Labcorp Genetics (formerly Invitae), Labcorp
Classification: Uncertain significance for Baller-Gerold syndrome. Last evaluated: 2021-07-30. Review status: criteria provided, single submitter. Criteria: Invitae Variant Classification Sherloc (09022015). Collection method: clinical testing. Allele origin: germline.
Comment: Experimental studies and prediction algorithms are not available or were not evaluated, and the functional significance of this variant is currently unknown. In summary, the available evidence is currently insufficient to determine the role of this variant in disease. Therefore, it has been classified as a Variant of Uncertain Significance. This variant has not been reported in the literature in individuals affected with RECQL4-related conditions. This variant is not present in population databases (ExAC no frequency). This sequence change replaces glycine with arginine at codon 775 of the RECQL4 protein (p.Gly775Arg). The glycine residue is highly conserved and there is a moderate physicochemical difference between glycine and arginine.

NM_004260.4(RECQL4):c.2323G>A (p.Gly775Arg)

Gene: RECQL4 (RecQ like helicase 4; minus strand). Cytogenetic location: 8q24.3.
Variant type: single nucleotide variant.
Coding change: c.2323G>A on transcript NM_004260.4 (MANE Select); coding-DNA position 2323, G replaced by A.
Protein change: p.Gly775Arg; replaces glycine 775 with arginine.
Molecular consequence: missense variant.
Genome position (GRCh38, 1-based): chr8:144,513,358, C>T on the plus strand (G>A on the coding strand, the complement: RECQL4 is on the minus strand). VCF-style: chr8-144513358-C-T. GRCh37 (hg19) VCF-style: chr8-145738741-C-T.
Other names: short protein forms G775R.
Identifiers: ClinVar variation 1480665 (VCV001480665.6), dbSNP rs2130678662, ClinGen allele CA372678349.